The following is an entry in ClinVar:

ClinVar aggregate classification (germline): Uncertain significance (1 of 4 stars; one submission).

Conditions:
Charcot-Marie-Tooth disease type 4. Also called: Charcot-Marie-Tooth disease, type IV; Charcot-Marie-Tooth, Type 4. Identifiers: Orphanet 64749, MedGen C4082197, MONDO:0018995.

Allele frequency attached by ClinVar (database versions not stated): TOPMed below 0.00001; gnomAD 0.00001.
gnomAD v4.1: 1 of 1,612,720 alleles (0.000062%); highest among the groups gnomAD compares: Non-Finnish European, 0.000085%; no homozygotes.

Submission:

Labcorp Genetics (formerly Invitae), Labcorp
Classification: Uncertain significance for Charcot-Marie-Tooth disease type 4. Last evaluated: 2022-04-25. Review status: criteria provided, single submitter. Criteria: Invitae Variant Classification Sherloc (09022015). Collection method: clinical testing. Allele origin: germline.
Comment: This sequence change replaces leucine, which is neutral and non-polar, with phenylalanine, which is neutral and non-polar, at codon 225 of the SBF2 protein (p.Leu225Phe). This variant is not present in population databases (gnomAD no frequency). This variant has not been reported in the literature in individuals affected with SBF2-related conditions. Algorithms developed to predict the effect of missense changes on protein structure and function are either unavailable or do not agree on the potential impact of this missense change (SIFT: "Deleterious"; PolyPhen-2: "Probably Damaging"; Align-GVGD: "Class C0"). In summary, the available evidence is currently insufficient to determine the role of this variant in disease. Therefore, it has been classified as a Variant of Uncertain Significance.

NM_030962.4(SBF2):c.673C>T (p.Leu225Phe)

Gene: SBF2 (SET binding factor 2; minus strand). Cytogenetic location: 11p15.4.
Variant type: single nucleotide variant.
Coding change: c.673C>T on transcript NM_030962.4 (MANE Select); coding-DNA position 673, C replaced by T.
Protein change: p.Leu225Phe; replaces leucine 225 with phenylalanine.
Molecular consequence: missense variant.
Genome position (GRCh38, 1-based): chr11:10,002,636, G>A on the plus strand (C>T on the coding strand, the complement: SBF2 is on the minus strand). VCF-style: chr11-10002636-G-A. GRCh37 (hg19) VCF-style: chr11-10024183-G-A.
Other names: c.673C>T, p.Leu225Phe (NM_001386339.1, NM_001386342.1); short protein forms L225F.
Identifiers: ClinVar variation 2178461 (VCV002178461.4), dbSNP rs1272152765, ClinGen allele CA379643651.